The following is an entry in ClinVar:

NM_001003787.4(STRADA):c.391G>C (p.Val131Leu)

Gene: STRADA (STE20 related adaptor alpha; minus strand). Cytogenetic location: 17q23.3.
Variant type: single nucleotide variant.
Coding change: c.391G>C on transcript NM_001003787.4 (MANE Select); coding-DNA position 391, G replaced by C.
Protein change: p.Val131Leu; replaces valine 131 with leucine.
Molecular consequence: missense variant. On other transcripts: non-coding transcript variant (1).
Genome position (GRCh38, 1-based): chr17:63,710,794, C>G on the plus strand (G>C on the coding strand, the complement: STRADA is on the minus strand). VCF-style: chr17-63710794-C-G. GRCh37 (hg19) VCF-style: chr17-61788154-C-G.
Other names: c.280G>C, p.Val94Leu (NM_001003786.3, NM_001363789.1, NM_153335.6); c.217G>C, p.Val73Leu (NM_001003788.3, NM_001363790.1, NM_001363791.1); c.304G>C, p.Val102Leu (NM_001165969.2, NM_001363787.1); c.259G>C, p.Val87Leu (NM_001165970.2); c.367G>C, p.Val123Leu (NM_001363786.1); c.391G>C, p.Val131Leu (NM_001363788.1); short protein forms V131L, V87L, V102L, V123L, V73L, V94L.
Identifiers: ClinVar variation 570237 (VCV000570237.5), dbSNP rs756995943, ClinGen allele CA292946164.

ClinVar aggregate classification (germline): Uncertain significance (1 of 4 stars; one submission).

Conditions:
Polyhydramnios, megalencephaly, and symptomatic epilepsy (PMSE). Also called: PMSE SYNDROME. Identifiers: Orphanet 500533, MedGen C1970203, MONDO:0012611, OMIM 611087.

Allele frequency attached by ClinVar (database versions not stated): TOPMed 0.00002.
gnomAD v4.1: 2 of 1,613,978 alleles (0.00012%); highest among the groups gnomAD compares: Admixed American, 0.0017%; no homozygotes.

Submission:

Labcorp Genetics (formerly Invitae), Labcorp
Classification: Uncertain significance for Polyhydramnios, megalencephaly, and symptomatic epilepsy. Last evaluated: 2023-07-07. Review status: criteria provided, single submitter. Criteria: Invitae Variant Classification Sherloc (09022015). Collection method: clinical testing. Allele origin: germline.
Comment: This variant is not present in population databases (gnomAD no frequency). This sequence change replaces valine, which is neutral and non-polar, with leucine, which is neutral and non-polar, at codon 131 of the STRADA protein (p.Val131Leu). This variant has not been reported in the literature in individuals affected with STRADA-related conditions. In summary, the available evidence is currently insufficient to determine the role of this variant in disease. Therefore, it has been classified as a Variant of Uncertain Significance. Algorithms developed to predict the effect of missense changes on protein structure and function output the following: SIFT: "Not Available"; PolyPhen-2: "Benign"; Align-GVGD: "Not Available". The leucine amino acid residue is found in multiple mammalian species, which suggests that this missense change does not adversely affect protein function. ClinVar contains an entry for this variant (Variation ID: 570237).